The following is an entry in ClinVar:

NM_000540.3(RYR1):c.424+17G>T

Gene: RYR1 (ryanodine receptor 1; plus strand). Cytogenetic location: 19q13.2.
Variant type: single nucleotide variant.
Coding change: c.424+17G>T on transcript NM_000540.3 (MANE Select); 17 bases into the intron after coding-DNA position 424, G replaced by T.
Molecular consequence: intron variant.
Genome position (GRCh38, 1-based): chr19:38,443,813, G>T. VCF-style: chr19-38443813-G-T. GRCh37 (hg19) VCF-style: chr19-38934453-G-T.
Other names: c.424+17G>T (NM_001042723.2).
Identifiers: ClinVar variation 2910307 (VCV002910307.3), dbSNP rs773702439, ClinGen allele CA308111364.

ClinVar aggregate classification (germline): Uncertain significance (1 of 4 stars; one submission).

Conditions:
RYR1-related disorder. Also called: RYR1-related condition; RYR1-related disorders. Identifiers: MedGen CN239331.

Submission:

Labcorp Genetics (formerly Invitae), Labcorp
Classification: Uncertain significance for RYR1-related disorder. Last evaluated: 2026-02-01. Review status: criteria provided, single submitter. Criteria: Invitae Variant Classification Sherloc (09022015). Collection method: clinical testing. Allele origin: germline.
Comment: This sequence change falls in intron 5 of the RYR1 gene. It does not directly change the encoded amino acid sequence of the RYR1 protein. This variant is not present in population databases (gnomAD no frequency). This variant has not been reported in the literature in individuals affected with RYR1-related conditions. ClinVar contains an entry for this variant (Variation ID: 2910307). Algorithms developed to predict the effect of sequence changes on RNA splicing suggest that this variant may create or strengthen a splice site. In summary, the available evidence is currently insufficient to determine the role of this variant in disease. Therefore, it has been classified as a Variant of Uncertain Significance.